The following is an entry in ClinVar:

ClinVar aggregate classification (germline): Uncertain significance (1 of 4 stars; one submission).

Submission:

Labcorp Genetics (formerly Invitae), Labcorp
Classification: Uncertain significance. Last evaluated: 2024-01-06. Review status: criteria provided, single submitter. Criteria: Invitae Variant Classification Sherloc (09022015). Collection method: clinical testing. Allele origin: germline.
Comment: This variant, c.2806_2808dup, results in the insertion of 1 amino acid(s) of the CSF1R protein (p.Gly936dup), but otherwise preserves the integrity of the reading frame. This variant is not present in population databases (gnomAD no frequency). This variant has not been reported in the literature in individuals affected with CSF1R-related conditions. In summary, the available evidence is currently insufficient to determine the role of this variant in disease. Therefore, it has been classified as a Variant of Uncertain Significance.

NM_001288705.3(CSF1R):c.2806_2808dup (p.Gly936_Ser937insGly)

Gene: CSF1R (colony stimulating factor 1 receptor; minus strand). Cytogenetic location: 5q32.
Variant type: Duplication.
Coding change: c.2806_2808dup on transcript NM_001288705.3 (MANE Select); coding-DNA positions 2806 to 2808, 3 bases duplicated (GGC; older notation c.2806_2808dupGGC).
Protein change: p.Gly936_Ser937insGly.
Molecular consequence: inframe insertion. On other transcripts: non-coding transcript variant (2).
Genome position (GRCh38, 1-based): chr5:150,054,180-150,054,182, GCC duplicated on the plus strand (GGC on the coding strand, the reverse complement: CSF1R is on the minus strand); duplicating any 3 consecutive bases within chr5:150,054,180-150,054,184 gives the same sequence; the c. name uses the placement nearest the transcript's 3' end. VCF-style (leftmost placement, unchanged base first): chr5-150054179-T-TGCC. GRCh37 (hg19) VCF-style: chr5-149433742-T-TGCC.
Other names: c.2806_2808dup, p.Gly936_Ser937insGly (NM_001349736.2, NM_001375320.1, NM_005211.4); c.2362_2364dup, p.Gly788_Ser789insGly (NM_001375321.1).
Identifiers: ClinVar variation 2777853 (VCV002777853.3), dbSNP rs1298562145, ClinGen allele CA805561178.
Genomic context (GRCh38, chr5:150,054,179, plus strand): 5'-CTTGCTCGCAGCAGGTCAGGTGCTCACTAGAGCTCTCCTCCTCCAGCTCACTGCTGCTGC[T>TGCC]GCCGCTGCCACCGCTTCTGCTGCTGCTCGGCAGATTGGTATAGTCCTGAGGGTGGGAGGG-3'